The following is an entry in ClinVar:

NM_001253852.3(AP4B1):c.1037_1045del (p.Gln346_Val348del)

Genes: AP4B1 (adaptor related protein complex 4 subunit beta 1; minus strand), AP4B1-AS1 (AP4B1 antisense RNA 1; plus strand). Cytogenetic location: 1p13.2.
Variant type: Deletion.
Coding change: c.1037_1045del on transcript NM_001253852.3 (MANE Select); coding-DNA positions 1037 to 1045, 9 bases deleted (AGCAGGTGC; older notation c.1037_1045delAGCAGGTGC).
Protein change: p.Gln346_Val348del.
Molecular consequence: inframe deletion. On other transcripts: non-coding transcript variant (2).
Genome position (GRCh38, 1-based): chr1:113,899,973-113,899,981, GCACCTGCT deleted on the plus strand (AGCAGGTGC on the coding strand, the reverse complement: AP4B1 is on the minus strand); deleting any 9 consecutive bases within chr1:113,899,973-113,899,985 gives the same sequence; the c. name uses the placement nearest the transcript's 3' end. VCF-style (leftmost placement, unchanged base first): chr1-113899972-AGCACCTGCT-A. GRCh37 (hg19) VCF-style: chr1-114442594-AGCACCTGCT-A.
Other names: c.740_748del, p.Gln247_Val249del (NM_001253853.3); c.533_541del, p.Gln178_Val180del (NM_001308312.2, NM_001438376.1, NM_001438379.1); c.812_820del, p.Gln271_Val273del (NM_001437822.1, NM_001438377.1); c.1037_1045del, p.Gln346_Val348del (NM_001438373.1, NM_001438375.1, NM_006594.5); c.758_766del, p.Gln253_Val255del (NM_001438374.1, NM_001438378.1).
Identifiers: ClinVar variation 4711350 (VCV004711350.1).

ClinVar aggregate classification (germline): Uncertain significance (1 of 4 stars; one submission).

Conditions:
Hereditary spastic paraplegia 47. Also called: CEREBRAL PALSY, SPASTIC QUADRIPLEGIC, 5; adaptor protein 4 (AP-4) deficiency syndrome; Spastic paraplegia 47, autosomal recessive. Identifiers: Orphanet 280763, MedGen C3279738, MONDO:0013551, OMIM 614066.

Submission:

Labcorp Genetics (formerly Invitae), Labcorp
Classification: Uncertain significance for Hereditary spastic paraplegia 47. Last evaluated: 2025-05-12. Review status: criteria provided, single submitter. Criteria: Invitae Variant Classification Sherloc (09022015). Collection method: clinical testing. Allele origin: germline.
Comment: This variant, c.1037_1045del, results in the deletion of 3 amino acid(s) of the AP4B1 protein (p.Gln346_Val348del), but otherwise preserves the integrity of the reading frame. This variant is present in population databases (no rsID available, gnomAD 0.0009%). This variant has not been reported in the literature in individuals affected with AP4B1-related conditions. Experimental studies and prediction algorithms are not available or were not evaluated, and the functional significance of this variant is currently unknown. In summary, the available evidence is currently insufficient to determine the role of this variant in disease. Therefore, it has been classified as a Variant of Uncertain Significance.